The following is an entry in ClinVar:

NM_032447.5(FBN3):c.2605+5C>T

Gene: FBN3 (fibrillin 3; minus strand). Cytogenetic location: 19p13.2.
Variant type: single nucleotide variant.
Coding change: c.2605+5C>T on transcript NM_032447.5 (MANE Select); 5 bases into the intron after coding-DNA position 2605, C replaced by T.
Molecular consequence: intron variant.
Genome position (GRCh38, 1-based): chr19:8,126,292, G>A on the plus strand (C>T on the coding strand, the complement: FBN3 is on the minus strand). VCF-style: chr19-8126292-G-A. GRCh37 (hg19) VCF-style: chr19-8191176-G-A.
Other names: c.2605+5C>T (NM_001321431.2).
Identifiers: ClinVar variation 3698653 (VCV003698653.2).

ClinVar aggregate classification (germline): Uncertain significance (1 of 4 stars; one submission).

gnomAD v4.1: 17 of 1,585,832 alleles (0.0011%); highest among the groups gnomAD compares: African/African-American, 0.016%; no homozygotes.

Submission:

Labcorp Genetics (formerly Invitae), Labcorp
Classification: Uncertain significance. Last evaluated: 2024-02-20. Review status: criteria provided, single submitter. Criteria: Invitae Variant Classification Sherloc (09022015). Collection method: clinical testing. Allele origin: germline.
Comment: This sequence change falls in intron 21 of the FBN3 gene. It does not directly change the encoded amino acid sequence of the FBN3 protein. It affects a nucleotide within the consensus splice site. The frequency data for this variant in the population databases is considered unreliable, as metrics indicate poor data quality at this position in the gnomAD database. This variant has not been reported in the literature in individuals affected with FBN3-related conditions. Variants that disrupt the consensus splice site are a relatively common cause of aberrant splicing (PMID: 17576681, 9536098). Algorithms developed to predict the effect of sequence changes on RNA splicing suggest that this variant is not likely to affect RNA splicing. In summary, the available evidence is currently insufficient to determine the role of this variant in disease. Therefore, it has been classified as a Variant of Uncertain Significance.

Literature cited by the submitters: PubMed 17576681; PubMed 9536098.